The following is an entry in ClinVar:

ClinVar aggregate classification (germline): Likely pathogenic (1 of 4 stars; one submission).

Submission:

GeneDx
Classification: Likely pathogenic. Last evaluated: 2025-06-23. Review status: criteria provided, single submitter. Criteria: GeneDx Variant Classification Process June 2021. Collection method: clinical testing. Allele origin: germline. Affected: yes.
Comment: Not observed at significant frequency in large population cohorts (gnomAD); Missense variants in this gene are often considered pathogenic (HGMD); In silico analysis supports that this missense variant has a deleterious effect on protein structure/function; Has not been previously published as pathogenic or benign to our knowledge

NM_006009.4(TUBA1A):c.820C>G (p.Pro274Ala)

Gene: TUBA1A (tubulin alpha 1a; minus strand). Cytogenetic location: 12q13.12.
Variant type: single nucleotide variant.
Coding change: c.820C>G on transcript NM_006009.4 (MANE Select); coding-DNA position 820, C replaced by G.
Protein change: p.Pro274Ala; replaces proline 274 with alanine.
Molecular consequence: missense variant.
Genome position (GRCh38, 1-based): chr12:49,185,546, G>C on the plus strand (C>G on the coding strand, the complement: TUBA1A is on the minus strand). VCF-style: chr12-49185546-G-C. GRCh37 (hg19) VCF-style: chr12-49579329-G-C.
Other names: c.820C>G, p.Pro274Ala (NM_001270399.2); c.715C>G, p.Pro239Ala (NM_001270400.2); short protein forms P239A, P274A.
Identifiers: ClinVar variation 4540011 (VCV004540011.1).
Genomic context (GRCh38, chr12:49,185,546, plus strand): 5'-CATTGGTGATCTCTGCTACAGAAAGCTGTTCATGGTAGGCTTTCTCAGCAGAGATGACAG[G>C]GGCATATGTGGCCAGAGGGAAGTGGATGCGGGGATAGGGCACCAGGTTGGTCTGGAATTC-3'
Protein context (NP_006000.2, residues 264-284): RIHFPLATYA[Pro274Ala]VISAEKAYHE